The following is an entry in ClinVar:

ClinVar aggregate classification (germline): Conflicting classifications of pathogenicity. Review status: criteria provided, conflicting classifications (1 of 4 stars). 2 submissions from 2 submitters: Uncertain significance (1); Likely benign (1). Last evaluated 2023-06-26.

Conditions:
Malignant hyperthermia, susceptibility to, 1 (MHS1). Also called: Malignant hyperthermia suceptibility 1; Anesthesia related hyperthermia; Malignant hyperpyrexia; Fulminating hyperpyrexia; Pharmacogenic myopathy; RYR1-Related Malignant Hyperthermia Susceptibility. Identifiers: Orphanet 423, MedGen C2930980, MONDO:0007783, OMIM 145600.
RYR1-related disorder. Also called: RYR1-related disorders; RYR1-related condition. Identifiers: MedGen CN239331.

Allele frequency attached by ClinVar (database versions not stated): gnomAD exomes 0.00001.
gnomAD v4.1: 8 of 1,614,174 alleles (0.0005%); highest among the groups gnomAD compares: Non-Finnish European, 0.00068%; no homozygotes.

Submissions (2):

All of Us Research Program, National Institutes of Health
Classification: Uncertain significance for Malignant hyperthermia, susceptibility to, 1. Last evaluated: 2023-06-26. Review status: criteria provided, single submitter. Criteria: ACMG Guidelines, 2015. Collection method: clinical testing. Allele origin: germline. Inheritance: Autosomal dominant inheritance. Observed: 1 variant allele, 1 heterozygote.
Comment: This variant is located in the RYR1 protein. To our knowledge, functional studies have not been reported for this variant. This variant has not been reported in individuals affected with RYR1-related disorders in the literature. This variant has not been identified in the general population by the Genome Aggregation Database (gnomAD). The available evidence is insufficient to determine the role of this variant in disease conclusively. Therefore, this variant is classified as a Variant of Uncertain Significance.

This study involves interpretation of variants in research participants for the purpose of population health screening. Participant phenotype was not available at the time of variant classification. Additional details can be found in publication PMID: 35346344, PMCID: PMC8962531

Labcorp Genetics (formerly Invitae), Labcorp
Classification: Likely benign for RYR1-related disorder. Last evaluated: 2021-01-10. Review status: criteria provided, single submitter. Criteria: Invitae Variant Classification Sherloc (09022015). Collection method: clinical testing. Allele origin: germline.

NM_000540.3(RYR1):c.13887G>A (p.Val4629=)

Gene: RYR1 (ryanodine receptor 1; plus strand). Cytogenetic location: 19q13.2.
Variant type: single nucleotide variant.
Coding change: c.13887G>A on transcript NM_000540.3 (MANE Select); coding-DNA position 13887, G replaced by A.
Protein change: p.Val4629=; no amino-acid change (valine 4629 retained).
Molecular consequence: synonymous variant.
Genome position (GRCh38, 1-based): chr19:38,572,159, G>A. VCF-style: chr19-38572159-G-A. GRCh37 (hg19) VCF-style: chr19-39062799-G-A.
Other names: c.13872G>A, p.Val4624= (NM_001042723.2).
Identifiers: ClinVar variation 1558153 (VCV001558153.4), dbSNP rs1568593906, ClinGen allele CA507356116.